The following is an entry in ClinVar:

NM_024675.4(PALB2):c.1014A>G (p.Pro338=)

Gene: PALB2 (partner and localizer of BRCA2; minus strand). Cytogenetic location: 16p12.2.
Variant type: single nucleotide variant.
Coding change: c.1014A>G on transcript NM_024675.4 (MANE Select); coding-DNA position 1014, A replaced by G.
Protein change: p.Pro338=; no amino-acid change (proline 338 retained).
Molecular consequence: synonymous variant.
Genome position (GRCh38, 1-based): chr16:23,635,532, T>C on the plus strand (A>G on the coding strand, the complement: PALB2 is on the minus strand). VCF-style: chr16-23635532-T-C. GRCh37 (hg19) VCF-style: chr16-23646853-T-C.
Identifiers: ClinVar variation 184397 (VCV000184397.18), dbSNP rs540622230, ClinGen allele CA188837.

ClinVar aggregate classification (germline): Benign/Likely benign. Review status: criteria provided, multiple submitters, no conflicts (2 of 4 stars). 4 submissions from 4 submitters: Benign (1); Likely benign (3). Last evaluated 2025-11-09.

Conditions:
Hereditary cancer-predisposing syndrome. Also called: Hereditary neoplastic syndrome; Neoplastic Syndromes, Hereditary; Tumor predisposition; Hereditary Cancer Syndrome. Identifiers: Orphanet 140162, MedGen C0027672, MeSH D009386, MONDO:0015356.
Familial cancer of breast. Also called: BREAST CANCER, FAMILIAL; Hereditary breast cancer; hereditary breast carcinoma. Identifiers: Orphanet 227535, MedGen C0346153, MONDO:0016419, OMIM 114480. Disease mechanism: loss of function.

Allele frequency attached by ClinVar (database versions not stated): gnomAD exomes below 0.00001; ExAC 0.00001; gnomAD 0.00001; 1000 Genomes Project 30x 0.00016; 1000 Genomes Project 0.00020.
gnomAD v4.1: 1 of 1,613,792 alleles (0.000062%); highest among the groups gnomAD compares: East Asian, 0.0022%; no homozygotes.

Submissions (4):

Labcorp Genetics (formerly Invitae), Labcorp
Classification: Likely benign for Familial cancer of breast. Last evaluated: 2025-11-09. Review status: criteria provided, single submitter. Criteria: Invitae Variant Classification Sherloc (09022015). Collection method: clinical testing. Allele origin: germline.

Myriad Genetics, Inc.
Classification: Benign for Familial cancer of breast. Last evaluated: 2025-01-13. Review status: criteria provided, single submitter. Criteria: Myriad Autosomal Dominant, Autosomal Recessive and X-Linked Classification Criteria (2023). Collection method: clinical testing. Allele origin: unknown.
Comment: This variant is considered benign. This variant is a silent/synonymous amino acid change and it is not expected to impact splicing.

Color Diagnostics, LLC DBA Color Health
Classification: Likely benign for Hereditary cancer-predisposing syndrome. Last evaluated: 2018-10-16. Review status: criteria provided, single submitter. Criteria: ACMG Guidelines, 2015. Collection method: clinical testing. Allele origin: germline.

Ambry Genetics
Classification: Likely benign for Hereditary cancer-predisposing syndrome. Last evaluated: 2018-06-13. Review status: criteria provided, single submitter. Criteria: Ambry Variant Classification Scheme 2023. Collection method: clinical testing. Allele origin: germline.